The following is an entry in ClinVar:

NM_001754.5(RUNX1):c.97+10A>C

Gene: RUNX1 (RUNX family transcription factor 1; minus strand). Cytogenetic location: 21q22.12.
Variant type: single nucleotide variant.
Coding change: c.97+10A>C on transcript NM_001754.5 (MANE Select); 10 bases into the intron after coding-DNA position 97, A replaced by C.
Molecular consequence: intron variant.
Genome position (GRCh38, 1-based): chr21:34,892,915, T>G on the plus strand (A>C on the coding strand, the complement: RUNX1 is on the minus strand). VCF-style: chr21-34892915-T-G. GRCh37 (hg19) VCF-style: chr21-36265212-T-G.
Identifiers: ClinVar variation 2749234 (VCV002749234.4), dbSNP rs2517535816, ClinGen allele CA2697547496.

ClinVar aggregate classification (germline): Likely benign. Review status: reviewed by expert panel (3 of 4 stars). 2 submissions from 2 submitters: Likely benign (1). 1 of the submissions does not count toward it. Last evaluated 2025-01-15.

Conditions:
Hereditary thrombocytopenia and hematological cancer predisposition syndrome associated with RUNX1. Also called: Familial Platelet Disorder with Propensity to Acute Myelogenous Leukemia; Familial thrombocytopenia with propensity to acute myelogenous leukemia; PLATELET DISORDER, ASPIRIN-LIKE; RUNX1 Familial Platelet Disorder with Associated Myeloid Malignancies. Identifiers: Orphanet 71290, MedGen C1832388, MeSH C563324, MONDO:0100083, OMIM 601399.

Submissions (2):

ClinGen Myeloid Malignancy Variant Curation Expert Panel
Classification: Likely benign for Hereditary thrombocytopenia and hematological cancer predisposition syndrome associated with RUNX1. Last evaluated: 2025-01-15. Review status: reviewed by expert panel. Criteria: ClinGen MyeloMalig ACMG Specifications v2. Collection method: curation. Allele origin: germline. Inheritance: Autosomal dominant inheritance.
Comment: NM_001754.5(RUNX1):c.97+10A>C is an intronic variant which is completely absent from all population databases with at least 20x coverage for RUNX1 (PM2_supporting). This intronic variant has a SpliceAI ∆ score ≤ 0.20 and PhyloP score <2.0 (BP4, BP7). In summary, this variant meets criteria to be classified as likely benign. ACMG/AMP criteria applied, as specified by the Myeloid Malignancy Variant Curation Expert Panel for RUNX1: PM2_supporting, BP4, BP7.

Labcorp Genetics (formerly Invitae), Labcorp
Classification: Likely benign for Hereditary thrombocytopenia and hematological cancer predisposition syndrome associated with RUNX1. Last evaluated: 2023-08-02. Review status: criteria provided, single submitter. Criteria: Invitae Variant Classification Sherloc (09022015). Collection method: clinical testing. Allele origin: germline. Not counted in ClinVar's aggregate classification.